The following is an entry in ClinVar:

ClinVar aggregate classification (germline): Uncertain significance (1 of 4 stars; one submission).

Conditions:
Hereditary cancer-predisposing syndrome. Also called: Hereditary neoplastic syndrome; Tumor predisposition; Neoplastic Syndromes, Hereditary; Hereditary Cancer Syndrome. Identifiers: Orphanet 140162, MedGen C0027672, MeSH D009386, MONDO:0015356.

Allele frequency attached by ClinVar (database versions not stated): gnomAD exomes below 0.00001.

Submission:

Sema4
Classification: Uncertain significance for Hereditary cancer-predisposing syndrome. Last evaluated: 2021-04-06. Review status: criteria provided, single submitter. Criteria: Sema4 Curation Guidelines. Collection method: curation. Allele origin: germline.
Comment: The XRCC2 c.795A>T (p.L265F) variant has not been reported in the literature to our knowledge. It was observed in 1/111600 chromosomes of the Non-Finnish European subpopulation in the large and broad cohorts of the Genome Aggregation Database. The variant has not been reported in ClinVar. In silico tools suggest the impact of the variant on protein function is benign, though these predictions have not been confirmed by functional studies. The evidence is insufficient to meet ACMG/AMP criteria for classifying the variant as benign or pathogenic. Thus, the clinical significance of this variant is currently uncertain.

NM_005431.2(XRCC2):c.795A>T (p.Leu265Phe)

Gene: XRCC2 (X-ray repair cross complementing 2; minus strand). Cytogenetic location: 7q36.1.
Variant type: single nucleotide variant.
Coding change: c.795A>T on transcript NM_005431.2 (MANE Select); coding-DNA position 795, A replaced by T.
Protein change: p.Leu265Phe; replaces leucine 265 with phenylalanine.
Molecular consequence: missense variant.
Genome position (GRCh38, 1-based): chr7:152,648,690, T>A on the plus strand (A>T on the coding strand, the complement: XRCC2 is on the minus strand). VCF-style: chr7-152648690-T-A. GRCh37 (hg19) VCF-style: chr7-152345775-T-A.
Other names: short protein forms L265F.
Identifiers: ClinVar variation 1692901 (VCV001692901.1), dbSNP rs1159235024, ClinGen allele CA370197922.